The following is an entry in ClinVar:

NM_001165978.3(PROM2):c.2196C>G (p.Ala732=)

Gene: PROM2 (prominin 2; plus strand). Cytogenetic location: 2q11.1.
Variant type: single nucleotide variant.
Coding change: c.2196C>G on transcript NM_001165978.3 (MANE Select); coding-DNA position 2196, C replaced by G.
Protein change: p.Ala732=; no amino-acid change (alanine 732 retained).
Molecular consequence: synonymous variant.
Genome position (GRCh38, 1-based): chr2:95,287,416, C>G. VCF-style: chr2-95287416-C-G. GRCh37 (hg19) VCF-style: chr2-95953164-C-G.
Other names: c.2196C>G, p.Ala732= (NM_001165977.3, NM_144707.4); c.1158C>G, p.Ala386= (NM_001321070.2).
Identifiers: ClinVar variation 2651118 (VCV002651118.24), dbSNP rs370018180, ClinGen allele CA1771771.

ClinVar aggregate classification (germline): Likely benign (1 of 4 stars; one submission).

Allele frequency attached by ClinVar (database versions not stated): gnomAD exomes below 0.00001; ExAC 0.00002; ESP Exome Variant Server 0.00008.

Submission:

CeGaT Center for Human Genetics Tuebingen
Classification: Likely benign. Last evaluated: 2022-12-01. Review status: criteria provided, single submitter. Criteria: CeGaT Center For Human Genetics Tuebingen Variant Classification Criteria Version 2. Collection method: clinical testing. Allele origin: germline. Affected: yes. Observed: 1 variant allele.
Comment: PROM2: BP4, BP7